The following is an entry in ClinVar:

ClinVar aggregate classification (germline): Uncertain significance (1 of 4 stars; one submission).

Conditions:
Familial hypercholesterolemia. Also called: Familial hypercholesterolaemia. Identifiers: MedGen C0020445, MONDO:0005439.

Submission:

Color Diagnostics, LLC DBA Color Health
Classification: Uncertain significance for Familial hypercholesterolemia. Last evaluated: 2025-06-17. Review status: criteria provided, single submitter. Criteria: ACMG Guidelines, 2015. Collection method: clinical testing. Allele origin: germline.
Comment: This missense variant replaces alanine with proline at codon 390 of the PCSK9 protein. Computational prediction suggests that this variant may not impact protein structure and function. To our knowledge, functional studies have not been reported for this variant. This variant has not been reported in individuals affected with PCSK9-related disorders in the literature. This variant has not been identified in the general population by the Genome Aggregation Database (gnomAD). The available evidence is insufficient to determine the role of this variant in disease conclusively. Therefore, this variant is classified as a Variant of Uncertain Significance.

NM_174936.4(PCSK9):c.1168G>C (p.Ala390Pro)

Gene: PCSK9 (proprotein convertase subtilisin/kexin type 9; plus strand). Cytogenetic location: 1p32.3.
Variant type: single nucleotide variant.
Coding change: c.1168G>C on transcript NM_174936.4 (MANE Select); coding-DNA position 1168, G replaced by C.
Protein change: p.Ala390Pro; replaces alanine 390 with proline.
Molecular consequence: missense variant. On other transcripts: non-coding transcript variant (8).
Genome position (GRCh38, 1-based): chr1:55,057,502, G>C. VCF-style: chr1-55057502-G-C. GRCh37 (hg19) VCF-style: chr1-55523175-G-C.
Other names: c.1171G>C, p.Ala391Pro (NM_001407242.1); c.1111G>C, p.Ala371Pro (NM_001407243.1); c.1168G>C, p.Ala390Pro (NM_001407244.1, NM_001407247.1, NM_001407241.1); c.976G>C, p.Ala326Pro (NM_001407245.1); c.793G>C, p.Ala265Pro (NM_001407246.1); c.1291G>C, p.Ala431Pro (NM_001407240.1); short protein forms A265P, A326P, A371P, A390P, A391P, A431P.
Identifiers: ClinVar variation 4757220 (VCV004757220.1).
Genomic context (GRCh38, chr1:55,057,502, plus strand): 5'-GGTGCCTCCAGCGACTGCAGCACCTGCTTTGTGTCACAGAGTGGGACATCACAGGCTGCT[G>C]CCCACGTGGCTGGTAAGTCACCACCCCACTGCCTCGGCCACCGTGATGCTAACAGCCCCT-3'
Protein context (NP_777596.2, residues 380-400): VSQSGTSQAA[Ala390Pro]HVAGIAAMML